The following is an entry in ClinVar:

NM_000051.4(ATM):c.5626C>T (p.His1876Tyr)

Gene: ATM (ATM serine/threonine kinase; plus strand). Cytogenetic location: 11q22.3.
Variant type: single nucleotide variant.
Coding change: c.5626C>T on transcript NM_000051.4 (MANE Select); coding-DNA position 5626, C replaced by T.
Protein change: p.His1876Tyr; replaces histidine 1876 with tyrosine.
Molecular consequence: missense variant.
Genome position (GRCh38, 1-based): chr11:108,304,804, C>T. VCF-style: chr11-108304804-C-T. GRCh37 (hg19) VCF-style: chr11-108175531-C-T.
Other names: c.5626C>T, p.His1876Tyr (NM_001351834.2); short protein forms H1876Y.
Identifiers: ClinVar variation 407503 (VCV000407503.20), dbSNP rs1060501567, ClinGen allele CA16613070.
Genomic context (GRCh38, chr11:108,304,804, plus strand): 5'-GAATCATGGAGAAATCTGCTTTCTACACATGTTCAGGGATTTTTCACCAGCTGTCTTCGA[C>T]ACTTCTCGCAAACGAGCCGATCCACAACCCCTGCAAACTTGGATTCAGGTATTCTATTAA-3'
Protein context (NP_000042.3, residues 1866-1886): VQGFFTSCLR[His1876Tyr]FSQTSRSTTP

ClinVar aggregate classification (germline): Conflicting classifications of pathogenicity. Review status: criteria provided, conflicting classifications (1 of 4 stars). 5 submissions from 5 submitters: Uncertain significance (4); Likely benign (1). Last evaluated 2026-01-26.

Conditions:
Hereditary cancer-predisposing syndrome. Also called: Hereditary neoplastic syndrome; Neoplastic Syndromes, Hereditary; Tumor predisposition; Hereditary Cancer Syndrome. Identifiers: Orphanet 140162, MedGen C0027672, MeSH D009386, MONDO:0015356.
Ataxia-telangiectasia syndrome (AT). Also called: Ataxia telangiectasia (A-T); LOUIS-BAR SYNDROME; Cerebello-oculocutaneous telangiectasia; Immunodeficiency with ataxia telangiectasia; Ataxia-telangiectasia, complementation group D; AT, COMPLEMENTATION GROUP C. Identifiers: Orphanet 100, MedGen C0004135, MONDO:0008840, OMIM 208900.

Allele frequency attached by ClinVar (database versions not stated): gnomAD exomes below 0.00001.
gnomAD v4.1: 1 of 1,613,596 alleles (0.000062%); highest among the groups gnomAD compares: Admixed American, 0.0017%; no homozygotes.

Submissions (5):

Labcorp Genetics (formerly Invitae), Labcorp
Classification: Uncertain significance for Ataxia-telangiectasia syndrome. Last evaluated: 2026-01-26. Review status: criteria provided, single submitter. Criteria: Invitae Variant Classification Sherloc (09022015). Collection method: clinical testing. Allele origin: germline.
Comment: This sequence change replaces histidine, which is basic and polar, with tyrosine, which is neutral and polar, at codon 1876 of the ATM protein (p.His1876Tyr). This variant is not present in population databases (gnomAD no frequency). This variant has not been reported in the literature in individuals affected with ATM-related conditions. ClinVar contains an entry for this variant (Variation ID: 407503). Invitae Evidence Modeling of protein sequence and biophysical properties (such as structural, functional, and spatial information, amino acid conservation, physicochemical variation, residue mobility, and thermodynamic stability) indicates that this missense variant is not expected to disrupt ATM protein function with a negative predictive value of 95%. In summary, the available evidence is currently insufficient to determine the role of this variant in disease. Therefore, it has been classified as a Variant of Uncertain Significance.

Ambry Genetics
Classification: Likely benign for Hereditary cancer-predisposing syndrome. Last evaluated: 2025-10-30. Review status: criteria provided, single submitter. Criteria: Ambry Variant Classification Scheme 2023. Collection method: clinical testing. Allele origin: germline.

Quest Diagnostics Nichols Institute San Juan Capistrano
Classification: Uncertain significance. Last evaluated: 2025-05-01. Review status: criteria provided, single submitter. Criteria: Quest Diagnostics criteria. Collection method: clinical testing. Allele origin: unknown.

Color Diagnostics, LLC DBA Color Health
Classification: Uncertain significance for Hereditary cancer-predisposing syndrome. Last evaluated: 2024-03-06. Review status: criteria provided, single submitter. Criteria: ACMG Guidelines, 2015. Collection method: clinical testing. Allele origin: germline.
Comment: This missense variant replaces histidine with tyrosine at codon 1876 of the ATM protein. Computational prediction suggests that this variant may not impact protein structure and function (internally defined REVEL score threshold <= 0.5, PMID: 27666373). To our knowledge, functional studies have not been reported for this variant. This variant has not been reported in individuals affected with ATM-related disorders in the literature. This variant has not been identified in the general population by the Genome Aggregation Database (gnomAD). The available evidence is insufficient to determine the role of this variant in disease conclusively. Therefore, this variant is classified as a Variant of Uncertain Significance.

Sema4
Classification: Uncertain significance for Hereditary cancer-predisposing syndrome. Last evaluated: 2021-09-13. Review status: criteria provided, single submitter. Criteria: Sema4 Curation Guidelines. Collection method: curation. Allele origin: germline.
Comment: The ATM c.5626C>T (p.H1876Y) variant has not been reported in the literature to our knowledge. It was not observed in the large and broad cohorts of the Genome Aggregation Database (PMID: 32461654). The variant has been reported in ClinVar (Variation ID 407503). In silico tools suggest the impact of the variant on protein function is benign, though these predictions have not been confirmed by functional studies. The evidence is insufficient to meet ACMG/AMP criteria for classifying the variant as benign or pathogenic. Thus, the clinical significance of this variant is currently uncertain.

Literature cited by the submitters: PubMed 40580951 (cited by Ambry Genetics).